The following is an entry in ClinVar:

ClinVar aggregate classification (germline): Uncertain significance (1 of 4 stars; one submission).

gnomAD v4.1: 18 of 1,597,170 alleles (0.0011%); highest among the groups gnomAD compares: Non-Finnish European, 0.0015%; no homozygotes.

Submission:

Labcorp Genetics (formerly Invitae), Labcorp
Classification: Uncertain significance. Last evaluated: 2021-07-31. Review status: criteria provided, single submitter. Criteria: Invitae Variant Classification Sherloc (09022015). Collection method: clinical testing. Allele origin: germline.
Comment: Algorithms developed to predict the effect of missense changes on protein structure and function are either unavailable or do not agree on the potential impact of this missense change (SIFT: "Deleterious"; PolyPhen-2: "Possibly Damaging"; Align-GVGD: "Class C0"). This sequence change replaces valine with glycine at codon 187 of the ADGRV1 protein (p.Val187Gly). The valine residue is moderately conserved and there is a moderate physicochemical difference between valine and glycine. This variant is not present in population databases (ExAC no frequency). This variant has not been reported in the literature in individuals affected with ADGRV1-related conditions. In summary, the available evidence is currently insufficient to determine the role of this variant in disease. Therefore, it has been classified as a Variant of Uncertain Significance.

NM_032119.4(ADGRV1):c.560T>G (p.Val187Gly)

Gene: ADGRV1 (adhesion G protein-coupled receptor V1; plus strand). Cytogenetic location: 5q14.3.
Variant type: single nucleotide variant.
Coding change: c.560T>G on transcript NM_032119.4 (MANE Select); coding-DNA position 560, T replaced by G.
Protein change: p.Val187Gly; replaces valine 187 with glycine.
Molecular consequence: missense variant. On other transcripts: non-coding transcript variant (1).
Genome position (GRCh38, 1-based): chr5:90,625,131, T>G. VCF-style: chr5-90625131-T-G. GRCh37 (hg19) VCF-style: chr5-89920948-T-G.
Other names: short protein forms V187G.
Identifiers: ClinVar variation 1356712 (VCV001356712.6), dbSNP rs950784228, ClinGen allele CA360364302.
Genomic context (GRCh38, chr5:90,625,131, plus strand): 5'-CTTTCTCAGTCTTGTGAAGTATTTTGCATTTATTGATGGCATTTTGTGTTTCTTTGCAGG[T>G]AGAGGGTGGCCCAAATCCCCCTGATGAAGATTTGAGTCCAGTTAAAGGAAATATCACCTT-3'
Protein context (NP_115495.3, residues 177-197): TYGMVMVTFE[Val187Gly]EGGPNPPDED